The following is an entry in ClinVar:

ClinVar aggregate classification (germline): Uncertain significance (1 of 4 stars; one submission).

Conditions:
Ataxia-telangiectasia syndrome (AT). Also called: Ataxia-telangiectasia, complementation group E; ATAXIA-TELANGIECTASIA, COMPLEMENTATION GROUP A; ATAXIA-TELANGIECTASIA, FRESNO VARIANT; Ataxia-telangiectasia, complementation group D; AT, COMPLEMENTATION GROUP C; Ataxia-telangiectasia. Identifiers: Orphanet 100, MedGen C0004135, MONDO:0008840, OMIM 208900.

gnomAD v4.1: 2 of 1,499,468 alleles (0.00013%); highest among the groups gnomAD compares: Non-Finnish European, 0.00019%; no homozygotes.

Submission:

Labcorp Genetics (formerly Invitae), Labcorp
Classification: Uncertain significance for Ataxia-telangiectasia syndrome. Last evaluated: 2025-05-23. Review status: criteria provided, single submitter. Criteria: Invitae Variant Classification Sherloc (09022015). Collection method: clinical testing. Allele origin: germline.
Comment: This sequence change replaces isoleucine, which is neutral and non-polar, with serine, which is neutral and polar, at codon 1244 of the ATM protein (p.Ile1244Ser). This variant is present in population databases (no rsID available, gnomAD 0.0009%). This variant has not been reported in the literature in individuals affected with ATM-related conditions. ClinVar contains an entry for this variant (Variation ID: 3702063). Invitae Evidence Modeling of protein sequence and biophysical properties (such as structural, functional, and spatial information, amino acid conservation, physicochemical variation, residue mobility, and thermodynamic stability) indicates that this missense variant is not expected to disrupt ATM protein function with a negative predictive value of 95%. In summary, the available evidence is currently insufficient to determine the role of this variant in disease. Therefore, it has been classified as a Variant of Uncertain Significance.

NM_000051.4(ATM):c.3731T>G (p.Ile1244Ser)

Gene: ATM (ATM serine/threonine kinase; plus strand). Cytogenetic location: 11q22.3.
Variant type: single nucleotide variant.
Coding change: c.3731T>G on transcript NM_000051.4 (MANE Select); coding-DNA position 3731, T replaced by G.
Protein change: p.Ile1244Ser; replaces isoleucine 1244 with serine.
Molecular consequence: missense variant.
Genome position (GRCh38, 1-based): chr11:108,282,864, T>G. VCF-style: chr11-108282864-T-G. GRCh37 (hg19) VCF-style: chr11-108153591-T-G.
Other names: c.3731T>G, p.Ile1244Ser (NM_001351834.2); short protein forms I1244S.
Identifiers: ClinVar variation 3702063 (VCV003702063.2).